The following is an entry in ClinVar:

NM_001363711.2(DUOX2):c.2176C>T (p.Arg726Trp)

Gene: DUOX2 (dual oxidase 2; minus strand). Cytogenetic location: 15q21.1.
Variant type: single nucleotide variant.
Coding change: c.2176C>T on transcript NM_001363711.2 (MANE Select); coding-DNA position 2176, C replaced by T.
Protein change: p.Arg726Trp; replaces arginine 726 with tryptophan.
Molecular consequence: missense variant.
Genome position (GRCh38, 1-based): chr15:45,105,801, G>A on the plus strand (C>T on the coding strand, the complement: DUOX2 is on the minus strand). VCF-style: chr15-45105801-G-A. GRCh37 (hg19) VCF-style: chr15-45397999-G-A.
Other names: c.2176C>T, p.Arg726Trp (NM_014080.5); short protein forms R726W.
Identifiers: ClinVar variation 888274 (VCV000888274.21), dbSNP rs141573582, ClinGen allele CA7538339.

ClinVar aggregate classification (germline): Conflicting classifications of pathogenicity. Review status: criteria provided, conflicting classifications (1 of 4 stars). 5 submissions from 5 submitters: Likely pathogenic (1); Uncertain significance (4). Last evaluated 2026-03-10.

Conditions:
Thyroid dyshormonogenesis 6 (TDH6). Also called: HYPOTHYROIDISM, CONGENITAL, DUE TO DYSHORMONOGENESIS, 6; THYROID HORMONOGENESIS, GENETIC DEFECT IN, 6; Genetic transient congenital hypothyroidism. Identifiers: Orphanet 226316, Orphanet 95716, MedGen C1846632, MONDO:0011792, OMIM 607200.

Allele frequency attached by ClinVar (database versions not stated): ESP Exome Variant Server 0.00015; TOPMed 0.00017; gnomAD 0.00018 and 0.00020; gnomAD exomes 0.00020; ExAC 0.00024.
gnomAD v4.1: 300 of 1,614,046 alleles (0.019%); highest among the groups gnomAD compares: Non-Finnish European, 0.024%; no homozygotes.

Submissions (5):

GeneDx
Classification: Likely pathogenic. Last evaluated: 2026-03-10. Review status: criteria provided, single submitter. Criteria: GeneDx Variant Classification Process June 2021. Collection method: clinical testing. Allele origin: germline.
Comment: In silico analysis supports that this missense variant has a deleterious effect on protein structure/function; This variant is associated with the following publications: (PMID: 38105685, 33651715, 36913313, 28444304, 36071330, 31287502, 37390946)

Labcorp Genetics (formerly Invitae), Labcorp
Classification: Uncertain significance. Last evaluated: 2026-01-26. Review status: criteria provided, single submitter. Criteria: Invitae Variant Classification Sherloc (09022015). Collection method: clinical testing. Allele origin: germline.
Comment: This sequence change replaces arginine, which is basic and polar, with tryptophan, which is neutral and slightly polar, at codon 726 of the DUOX2 protein (p.Arg726Trp). This variant is present in population databases (rs141573582, gnomAD 0.04%). This missense change has been observed in individual(s) with congenital hypothyroidism (PMID: 28444304, 36913313, 37390946). ClinVar contains an entry for this variant (Variation ID: 888274). Invitae Evidence Modeling of protein sequence and biophysical properties (such as structural, functional, and spatial information, amino acid conservation, physicochemical variation, residue mobility, and thermodynamic stability) has been performed for this missense variant. However, the output from this modeling did not meet the statistical confidence thresholds required to predict the impact of this variant on DUOX2 protein function. In summary, the available evidence is currently insufficient to determine the role of this variant in disease. Therefore, it has been classified as a Variant of Uncertain Significance.

CeGaT Center for Human Genetics Tuebingen
Classification: Uncertain significance. Last evaluated: 2025-06-01. Review status: criteria provided, single submitter. Criteria: CeGaT Center For Human Genetics Tuebingen Variant Classification Criteria Version 2. Collection method: clinical testing. Allele origin: germline. Affected: yes. Observed: 1 variant allele.
Comment: DUOX2: PM2

Fulgent Genetics
Classification: Uncertain significance for Thyroid dyshormonogenesis 6. Last evaluated: 2022-01-27. Review status: criteria provided, single submitter. Criteria: ACMG Guidelines, 2015. Collection method: clinical testing. Allele origin: unknown.

Illumina Laboratory Services, Illumina
Classification: Uncertain significance for Thyroid dyshormonogenesis 6. Last evaluated: 2018-01-13. Review status: criteria provided, single submitter. Criteria: ICSL Variant Classification Criteria 13 December 2019. Collection method: clinical testing. Allele origin: germline.

Literature cited by the submitters: PubMed 28444304 (cited by Labcorp Genetics (formerly Invitae), Labcorp); PubMed 36913313 (cited by Labcorp Genetics (formerly Invitae), Labcorp); PubMed 37390946 (cited by Labcorp Genetics (formerly Invitae), Labcorp).